The following is an entry in ClinVar:

NM_020376.4(PNPLA2):c.1460dup (p.Leu487fs)

Gene: PNPLA2 (patatin like domain 2, triacylglycerol lipase; plus strand). Cytogenetic location: 11p15.5.
Variant type: Duplication.
Coding change: c.1460dup on transcript NM_020376.4 (MANE Select); coding-DNA position 1460, one base duplicated (T; older notation c.1460dupT).
Protein change: p.Leu487fs; shifts the reading frame from leucine 487.
Molecular consequence: frameshift variant.
Genome position (GRCh38, 1-based): chr11:824,807, T duplicated; the last of 2 consecutive T bases (chr11:824,806-824,807); duplicating either gives the same sequence. VCF-style (leftmost placement, unchanged base first): chr11-824805-C-CT. GRCh37 (hg19) VCF-style: chr11-824805-C-CT.
Other names: c.1460dupT (NM_020376.3); short protein forms L487fs.
Identifiers: ClinVar variation 582912 (VCV000582912.8), dbSNP rs1264283731, ClinGen allele CA680903527.

ClinVar aggregate classification (germline): Uncertain significance (1 of 4 stars; one submission).

Conditions:
Neutral lipid storage myopathy (NLSDM). Also called: NEUTRAL LIPID STORAGE DISEASE WITHOUT ICHTHYOSIS. Identifiers: Orphanet 98908, MedGen C1853136, MONDO:0012545, OMIM 610717.

Submission:

Labcorp Genetics (formerly Invitae), Labcorp
Classification: Uncertain significance for Neutral lipid storage myopathy. Last evaluated: 2018-01-24. Review status: criteria provided, single submitter. Criteria: Invitae Variant Classification Sherloc (09022015). Collection method: clinical testing. Allele origin: germline.
Comment: In summary, the available evidence is currently insufficient to determine the role of this variant in disease. Therefore, it has been classified as a Variant of Uncertain Significance. This variant has not been reported in the literature in individuals with PNPLA2-related disease. While this variant is not present in population databases, the frequency information is unreliable, as metrics indicate poor data quality at this position in the ExAC database. This sequence change results in a premature translational stop signal in the PNPLA2 gene (p.Leu487Phefs*65). While this is not anticipated to result in nonsense mediated decay, it is expected to disrupt the last 18 amino acids of the PNPLA2 protein, and to extend the protein by an additional 47 amino acids.